The following is an entry in ClinVar:

ClinVar aggregate classification (germline): Likely pathogenic (1 of 4 stars; one submission).

Conditions:
Primary ciliary dyskinesia. Also called: Ciliary dyskinesia. Identifiers: Orphanet 244, MedGen C0008780, MONDO:0016575, HP:0012265.

Submission:

Natera, Inc.
Classification: Likely pathogenic for Primary ciliary dyskinesia. Last evaluated: 2024-02-23. Review status: criteria provided, single submitter. Criteria: Natera Variant Classification Schema (03/2026). Collection method: clinical testing. Allele origin: germline.
Comment: The c.6579+1G>T variant in DNAH5 is a canonical splice donor site variant predicted to affect pre-mRNA splicing, which may result in an abnormal transcript and altered protein product. This variant is expected to result in nonsense mediated decay, truncation, or a dysfunctional protein product. This variant is rare in the general population with a frequency below the threshold expected for the associated phenotype(s). Given the available evidence, this variant is classified as Likely Pathogenic.

NM_001369.3(DNAH5):c.6579+1G>T

Gene: DNAH5 (dynein axonemal heavy chain 5; minus strand). Cytogenetic location: 5p15.2.
Variant type: single nucleotide variant.
Coding change: c.6579+1G>T on transcript NM_001369.3 (MANE Select); the canonical splice donor site of the intron after coding-DNA position 6579, G replaced by T.
Molecular consequence: splice donor variant.
Genome position (GRCh38, 1-based): chr5:13,824,198, C>A on the plus strand (G>T on the coding strand, the complement: DNAH5 is on the minus strand). VCF-style: chr5-13824198-C-A. GRCh37 (hg19) VCF-style: chr5-13824307-C-A.
Identifiers: ClinVar variation 4814909 (VCV004814909.2).
Genomic context (GRCh38, chr5:13,824,198, plus strand): 5'-TATGGGCAGTTAGTTTAACTGATATCCAAGTAGGTGGAACACTTCCATCTGTGAGTCTTA[C>A]CAGTTTAGAAAGATTCATGTCCCGTAGTACACGCATGACAATCGTGGACTCCGTATCCAT-3'